The following is an entry in ClinVar:

NM_001165963.4(SCN1A):c.2219A>T (p.Lys740Ile)

Gene: SCN1A (sodium voltage-gated channel alpha subunit 1; minus strand). Cytogenetic location: 2q24.3.
Variant type: single nucleotide variant.
Coding change: c.2219A>T on transcript NM_001165963.4 (MANE Select); coding-DNA position 2219, A replaced by T.
Protein change: p.Lys740Ile; replaces lysine 740 with isoleucine.
Molecular consequence: missense variant. On other transcripts: 5 prime UTR variant (1), non-coding transcript variant (1).
Genome position (GRCh38, 1-based): chr2:166,041,427, T>A on the plus strand (A>T on the coding strand, the complement: SCN1A is on the minus strand). VCF-style: chr2-166041427-T-A. GRCh37 (hg19) VCF-style: chr2-166897937-T-A.
Other names: c.2135A>T, p.Lys712Ile (NM_001165964.3, NM_001353957.2, NM_001353958.2); c.2219A>T, p.Lys740Ile (NM_001202435.3, NM_001353948.2); c.2186A>T, p.Lys729Ile (NM_001353949.2, NM_001353950.2, NM_001353951.2 and 2 more transcripts); c.2183A>T, p.Lys728Ile (NM_001353954.2, NM_001353955.2); c.2132A>T, p.Lys711Ile (NM_001353960.2); c.-240A>T (NM_001353961.2); short protein forms K711I, K712I, K728I, K729I, K740I.
Identifiers: ClinVar variation 2442441 (VCV002442441.4), dbSNP rs2468132494, ClinGen allele CA349065112.

ClinVar aggregate classification (germline): Uncertain significance. Review status: criteria provided, multiple submitters, no conflicts (2 of 4 stars). 2 submissions from 2 submitters: Uncertain significance (2). Last evaluated 2024-04-09.

Conditions:
Early-infantile DEE. Also called: Early infantile epileptic encephalopathy with suppression bursts; Early infantile epileptic encephalopathy; Ohtahara syndrome. Identifiers: Orphanet 1934, MedGen C0393706, MONDO:0800491.

Submissions (2):

GeneDx
Classification: Uncertain significance. Last evaluated: 2024-04-09. Review status: criteria provided, single submitter. Criteria: GeneDx Variant Classification Process June 2021. Collection method: clinical testing. Allele origin: germline. Affected: yes.
Comment: Not observed at significant frequency in large population cohorts (gnomAD); In silico analysis supports that this missense variant has a deleterious effect on protein structure/function; Has not been previously published as pathogenic or benign to our knowledge; This substitution is predicted to be within the the cytoplasmic loop between the first and second homologous domains

Labcorp Genetics (formerly Invitae), Labcorp
Classification: Uncertain significance for Early-infantile DEE. Last evaluated: 2024-02-03. Review status: criteria provided, single submitter. Criteria: Invitae Variant Classification Sherloc (09022015). Collection method: clinical testing. Allele origin: germline.
Comment: This sequence change replaces lysine, which is basic and polar, with isoleucine, which is neutral and non-polar, at codon 740 of the SCN1A protein (p.Lys740Ile). This variant is not present in population databases (gnomAD no frequency). This variant has not been reported in the literature in individuals affected with SCN1A-related conditions. ClinVar contains an entry for this variant (Variation ID: 2442441). Advanced modeling of protein sequence and biophysical properties (such as structural, functional, and spatial information, amino acid conservation, physicochemical variation, residue mobility, and thermodynamic stability) performed at Invitae indicates that this missense variant is expected to disrupt SCN1A protein function with a positive predictive value of 95%. In summary, the available evidence is currently insufficient to determine the role of this variant in disease. Therefore, it has been classified as a Variant of Uncertain Significance.